The following is an entry in ClinVar:

NM_002528.7(NTHL1):c.764G>A (p.Arg255His)

Gene: NTHL1 (nth like DNA glycosylase 1; minus strand). Cytogenetic location: 16p13.3.
Variant type: single nucleotide variant.
Coding change: c.764G>A on transcript NM_002528.7 (MANE Select); coding-DNA position 764, G replaced by A.
Protein change: p.Arg255His; replaces arginine 255 with histidine.
Molecular consequence: missense variant.
Genome position (GRCh38, 1-based): chr16:2,040,160, C>T on the plus strand (G>A on the coding strand, the complement: NTHL1 is on the minus strand). VCF-style: chr16-2040160-C-T. GRCh37 (hg19) VCF-style: chr16-2090161-C-T.
Other names: c.593G>A, p.Arg198His (NM_001318193.2); c.434G>A, p.Arg145His (NM_001318194.2); c.764G>A, p.Arg255His (LRG_1366t1); short protein forms R145H, R255H, R198H.
Identifiers: ClinVar variation 645459 (VCV000645459.16), dbSNP rs756036462, ClinGen allele CA7828124.

ClinVar aggregate classification (germline): Uncertain significance. Review status: criteria provided, multiple submitters, no conflicts (2 of 4 stars). 5 submissions from 5 submitters: Uncertain significance (5). Last evaluated 2025-07-25.

Conditions:
Hereditary cancer-predisposing syndrome. Also called: Neoplastic Syndromes, Hereditary; Hereditary Cancer Syndrome; Tumor predisposition; Hereditary neoplastic syndrome. Identifiers: Orphanet 140162, MedGen C0027672, MeSH D009386, MONDO:0015356.
Familial adenomatous polyposis 3. Also called: NTHL1-associated polyposis; NTHL1-related attenuated familial adenomatous polyposis; NTHL1-Related Adenomatous Polyposis and Colorectal Cancer; NTHL1 Tumor Syndrome. Identifiers: Orphanet 220460, Orphanet 454840, MedGen C4225157, MONDO:0014630, OMIM 616415.

Allele frequency attached by ClinVar (database versions not stated): ExAC 0.00002; TOPMed 0.00006; gnomAD 0.00007.
gnomAD v4.1: 26 of 1,613,840 alleles (0.0016%); highest among the groups gnomAD compares: Admixed American, 0.023%; no homozygotes.

Submissions (5):

Ambry Genetics
Classification: Uncertain significance for Hereditary cancer-predisposing syndrome. Last evaluated: 2025-07-25. Review status: criteria provided, single submitter. Criteria: Ambry Variant Classification Scheme 2023. Collection method: clinical testing. Allele origin: germline.
Comment: The p.R263H variant (also known as c.788G>A), located in coding exon 5 of the NTHL1 gene, results from a G to A substitution at nucleotide position 788. The arginine at codon 263 is replaced by histidine, an amino acid with highly similar properties. This amino acid position is highly conserved in available vertebrate species. In addition, the in silico prediction for this alteration is inconclusive. Since supporting evidence is limited at this time, the clinical significance of this alteration remains unclear.

Labcorp Genetics (formerly Invitae), Labcorp
Classification: Uncertain significance. Last evaluated: 2024-12-09. Review status: criteria provided, single submitter. Criteria: Invitae Variant Classification Sherloc (09022015). Collection method: clinical testing. Allele origin: germline.
Comment: This sequence change replaces arginine, which is basic and polar, with histidine, which is basic and polar, at codon 263 of the NTHL1 protein (p.Arg263His). This variant is present in population databases (rs756036462, gnomAD 0.01%). This variant has not been reported in the literature in individuals affected with NTHL1-related conditions. ClinVar contains an entry for this variant (Variation ID: 645459). An algorithm developed to predict the effect of missense changes on protein structure and function (PolyPhen-2) suggests that this variant is likely to be disruptive. In summary, the available evidence is currently insufficient to determine the role of this variant in disease. Therefore, it has been classified as a Variant of Uncertain Significance.

Baylor Genetics
Classification: Uncertain significance for Familial adenomatous polyposis 3. Last evaluated: 2023-10-17. Review status: criteria provided, single submitter. Criteria: ACMG Guidelines, 2015. Collection method: clinical testing. Allele origin: unknown.

Quest Diagnostics Nichols Institute San Juan Capistrano
Classification: Uncertain significance. Last evaluated: 2022-09-21. Review status: criteria provided, single submitter. Criteria: Quest Diagnostics criteria. Collection method: clinical testing. Allele origin: unknown.
Comment: The variant has not been reported in the published literature. The frequency of this variant in the general population, 0.00014 (5/34590 chromosomes), is uninformative in assessment of its pathogenicity. Analysis of this variant using bioinformatics tools for the prediction of the effect of amino acid changes on protein structure and function yielded conflicting predictions that this variant is benign or damaging. Based on the available information, we are unable to determine the clinical significance of this variant.

Breakthrough Genomics
Classification: Uncertain significance. Review status: criteria provided, single submitter. Criteria: ACMG Guidelines, 2015. Collection method: not provided. Allele origin: germline. Inheritance: Autosomal recessive inheritance. Affected: yes.